The following is an entry in ClinVar:

NM_000256.3(MYBPC3):c.505+9G>A

Gene: MYBPC3 (myosin binding protein C3; minus strand). Cytogenetic location: 11p11.2.
Variant type: single nucleotide variant.
Coding change: c.505+9G>A on transcript NM_000256.3 (MANE Select); 9 bases into the intron after coding-DNA position 505, G replaced by A.
Molecular consequence: intron variant.
Genome position (GRCh38, 1-based): chr11:47,350,005, C>T on the plus strand (G>A on the coding strand, the complement: MYBPC3 is on the minus strand). VCF-style: chr11-47350005-C-T. GRCh37 (hg19) VCF-style: chr11-47371556-C-T.
Identifiers: ClinVar variation 669203 (VCV000669203.11), dbSNP rs890255177, ClinGen allele CA221707062.

ClinVar aggregate classification (germline): Conflicting classifications of pathogenicity. Review status: criteria provided, conflicting classifications (1 of 4 stars). 3 submissions from 3 submitters: Uncertain significance (1); Likely benign (2). Last evaluated 2025-09-27.

Conditions:
Hypertrophic cardiomyopathy. Also called: HYPERTROPHIC MYOCARDIOPATHY. Identifiers: Orphanet 217569, MedGen C0007194, MeSH D002312, MONDO:0005045, HP:0001639.
Cardiomyopathy (CMYO). Also called: Cardiomyopathies. Identifiers: Orphanet 167848, MedGen C0878544, MONDO:0004994, HP:0001638. Inheritance: Various modes of inheritance.

Allele frequency attached by ClinVar (database versions not stated): gnomAD 0.00001; gnomAD exomes 0.00001 and 0.00002; TOPMed 0.00003.
gnomAD v4.1: 31 of 1,559,702 alleles (0.002%); highest among the groups gnomAD compares: Non-Finnish European, 0.0025%; no homozygotes.

Submissions (3):

Labcorp Genetics (formerly Invitae), Labcorp
Classification: Likely benign for Hypertrophic cardiomyopathy. Last evaluated: 2025-09-27. Review status: criteria provided, single submitter. Criteria: Invitae Variant Classification Sherloc (09022015). Collection method: clinical testing. Allele origin: germline.

CHEO Genetics Diagnostic Laboratory, Children's Hospital of Eastern Ontario
Classification: Uncertain significance for Cardiomyopathy. Last evaluated: 2020-06-18. Review status: criteria provided, single submitter. Criteria: ACMG Guidelines, 2015. Collection method: clinical testing. Allele origin: germline.

GeneDx
Classification: Likely benign. Last evaluated: 2018-06-05. Review status: criteria provided, single submitter. Criteria: GeneDx Variant Classification (06012015). Collection method: clinical testing. Allele origin: germline. Affected: yes.
Comment: This variant is considered likely benign or benign based on one or more of the following criteria: it is a conservative change, it occurs at a poorly conserved position in the protein, it is predicted to be benign by multiple in silico algorithms, and/or has population frequency not consistent with disease.